The following is an entry in ClinVar:

NM_005502.4(ABCA1):c.3679G>A (p.Asp1227Asn)

Gene: ABCA1 (ATP binding cassette subfamily A member 1; minus strand). Cytogenetic location: 9q31.1.
Variant type: single nucleotide variant.
Coding change: c.3679G>A on transcript NM_005502.4 (MANE Select); coding-DNA position 3679, G replaced by A.
Protein change: p.Asp1227Asn; replaces aspartic acid 1227 with asparagine.
Molecular consequence: missense variant.
Genome position (GRCh38, 1-based): chr9:104,816,202, C>T on the plus strand (G>A on the coding strand, the complement: ABCA1 is on the minus strand). VCF-style: chr9-104816202-C-T. GRCh37 (hg19) VCF-style: chr9-107578483-C-T.
Other names: short protein forms D1227N.
Identifiers: ClinVar variation 1733853 (VCV001733853.7), dbSNP rs1831740002, ClinGen allele CA374318030.

ClinVar aggregate classification (germline): Uncertain significance. Review status: criteria provided, multiple submitters, no conflicts (2 of 4 stars). 2 submissions from 2 submitters: Uncertain significance (2). Last evaluated 2022-08-31.

Conditions:
Cardiovascular phenotype. Identifiers: MedGen CN230736.

Allele frequency attached by ClinVar (database versions not stated): gnomAD 0.00001.
gnomAD v4.1: 1 of 1,614,010 alleles (0.000062%); highest among the groups gnomAD compares: Non-Finnish European, 0.000085%; no homozygotes.

Submissions (2):

Labcorp Genetics (formerly Invitae), Labcorp
Classification: Uncertain significance. Last evaluated: 2022-08-31. Review status: criteria provided, single submitter. Criteria: Invitae Variant Classification Sherloc (09022015). Collection method: clinical testing. Allele origin: germline.
Comment: This variant has not been reported in the literature in individuals affected with ABCA1-related conditions. This variant is not present in population databases (gnomAD no frequency). This sequence change replaces aspartic acid, which is acidic and polar, with asparagine, which is neutral and polar, at codon 1227 of the ABCA1 protein (p.Asp1227Asn). In summary, the available evidence is currently insufficient to determine the role of this variant in disease. Therefore, it has been classified as a Variant of Uncertain Significance. Advanced modeling of protein sequence and biophysical properties (such as structural, functional, and spatial information, amino acid conservation, physicochemical variation, residue mobility, and thermodynamic stability) performed at Invitae indicates that this missense variant is not expected to disrupt ABCA1 protein function.

Ambry Genetics
Classification: Uncertain significance for Cardiovascular phenotype. Last evaluated: 2022-08-03. Review status: criteria provided, single submitter. Criteria: Ambry Variant Classification Scheme 2023. Collection method: clinical testing. Allele origin: germline.
Comment: The p.D1227N variant (also known as c.3679G>A), located in coding exon 24 of the ABCA1 gene, results from a G to A substitution at nucleotide position 3679. The aspartic acid at codon 1227 is replaced by asparagine, an amino acid with highly similar properties. This amino acid position is conserved. In addition, this alteration is predicted to be tolerated by in silico analysis. Since supporting evidence is limited at this time, the clinical significance of this alteration remains unclear.